The following is an entry in ClinVar:

ClinVar aggregate classification (germline): Uncertain significance (1 of 4 stars; one submission).

Conditions:
EGFR-related lung cancer (EGFR). Identifiers: MedGen CN130014.

Submission:

Labcorp Genetics (formerly Invitae), Labcorp
Classification: Uncertain significance for EGFR-related lung cancer. Last evaluated: 2025-07-30. Review status: criteria provided, single submitter. Criteria: Invitae Variant Classification Sherloc (09022015). Collection method: clinical testing. Allele origin: germline.
Comment: This sequence change replaces lysine, which is basic and polar, with asparagine, which is neutral and polar, at codon 757 of the EGFR protein (p.Lys757Asn). This variant is not present in population databases (gnomAD no frequency). This variant has not been reported in the literature in individuals affected with EGFR-related conditions. Invitae Evidence Modeling of protein sequence and biophysical properties (such as structural, functional, and spatial information, amino acid conservation, physicochemical variation, residue mobility, and thermodynamic stability) indicates that this missense variant is not expected to disrupt EGFR protein function with a negative predictive value of 80%. In summary, the available evidence is currently insufficient to determine the role of this variant in disease. Therefore, it has been classified as a Variant of Uncertain Significance.

NM_005228.5(EGFR):c.2271G>T (p.Lys757Asn)

Gene: EGFR (epidermal growth factor receptor; plus strand). Cytogenetic location: 7p11.2.
Variant type: single nucleotide variant.
Coding change: c.2271G>T on transcript NM_005228.5 (MANE Select); coding-DNA position 2271, G replaced by T.
Protein change: p.Lys757Asn; replaces lysine 757 with asparagine.
Molecular consequence: missense variant.
Genome position (GRCh38, 1-based): chr7:55,174,808, G>T. VCF-style: chr7-55174808-G-T. GRCh37 (hg19) VCF-style: chr7-55242501-G-T.
Other names: c.2136G>T, p.Lys712Asn (NM_001346897.2, NM_001346899.2); c.2271G>T, p.Lys757Asn (NM_001346898.2); c.2112G>T, p.Lys704Asn (NM_001346900.2); c.1470G>T, p.Lys490Asn (NM_001346941.2); short protein forms K490N, K704N, K712N, K757N.
Identifiers: ClinVar variation 4693100 (VCV004693100.1).
Genomic context (GRCh38, chr7:55,174,808, plus strand): 5'-AGTTAAAATTCCCGTCGCTATCAAGGAATTAAGAGAAGCAACATCTCCGAAAGCCAACAA[G>T]GAAATCCTCGATGTGAGTTTCTGCTTTGCTGTGTGGGGGTCCATGGCTCTGAACCTCAGG-3'
Protein context (NP_005219.2, residues 747-767): LREATSPKAN[Lys757Asn]EILDEAYVMA